The following is an entry in ClinVar:

ClinVar aggregate classification (germline): Pathogenic. Review status: criteria provided, single submitter (1 of 4 stars). 3 submissions from 3 submitters: Pathogenic (1). 2 of the submissions do not count toward it. Last evaluated 2023-08-14.

Conditions:
Neuronal ceroid lipofuscinosis. Also called: Neuronal Ceroid Lipofuscinoses. Identifiers: Orphanet 216, Orphanet 79263, MedGen C0027877, MONDO:0016295. Disease mechanism: loss of function.
Neuronal ceroid lipofuscinosis 3 (CLN3). Identifiers: Orphanet 228346, MedGen C0751383, MONDO:0008767, OMIM 204200.

Submissions (3):

Labcorp Genetics (formerly Invitae), Labcorp
Classification: Pathogenic for Neuronal ceroid lipofuscinosis. Last evaluated: 2023-08-14. Review status: criteria provided, single submitter. Criteria: Invitae Variant Classification Sherloc (09022015). Collection method: clinical testing. Allele origin: germline.
Comment: This premature translational stop signal has been observed in individual(s) with CLN3-related conditions (PMID: 21990111). ClinVar contains an entry for this variant (Variation ID: 56261). For these reasons, this variant has been classified as Pathogenic. This variant is not present in population databases (gnomAD no frequency). This sequence change creates a premature translational stop signal (p.Thr80Asnfs*12) in the CLN3 gene. It is expected to result in an absent or disrupted protein product. Loss-of-function variants in CLN3 are known to be pathogenic (PMID: 9311735, 28542676).

Counsyl
Classification: Likely pathogenic for Neuronal ceroid lipofuscinosis 3. Last evaluated: 2016-11-07. Review status: no assertion criteria provided. Collection method: clinical testing. Allele origin: unknown. Not counted in ClinVar's aggregate classification.

Juha Muilu Group; Institute for Molecular Medicine Finland (FIMM)
Classification: Likely pathogenic for Juvenile neuronal ceroid lipofuscinosis. Review status: no assertion criteria provided. Collection method: not provided. Allele origin: unknown. Not counted in ClinVar's aggregate classification.
Comment: FinDis database variant: This variant was not found or characterized by our laboratory, data were collected from public sources: see reference
ClinVar note: Converted during submission from probable-pathogenic to Likely pathogenic.

Literature cited by the submitters: PubMed 21990111 (cited by Labcorp Genetics (formerly Invitae), Labcorp and Counsyl); PubMed 9311735 (cited by Labcorp Genetics (formerly Invitae), Labcorp); PubMed 28542676 (cited by Labcorp Genetics (formerly Invitae), Labcorp).

NM_001042432.2(CLN3):c.233dup (p.Thr80fs)

Gene: CLN3 (CLN3 lysosomal/endosomal transmembrane protein, battenin; minus strand). Cytogenetic location: 16p12.1.
Variant type: Duplication.
Coding change: c.233dup on transcript NM_001042432.2 (MANE Select); coding-DNA position 233, one base duplicated (G; older notation c.233dupG).
Protein change: p.Thr80fs; shifts the reading frame from threonine 80.
Molecular consequence: frameshift variant. On other transcripts: intron variant (2).
Genome position (GRCh38, 1-based): chr16:28,488,652, C duplicated on the plus strand (G on the coding strand, the reverse complement: CLN3 is on the minus strand); the first of 2 consecutive C bases (chr16:28,488,652-28,488,653); duplicating either gives the same sequence. VCF-style (leftmost placement, unchanged base first): chr16-28488651-G-GC. GRCh37 (hg19) VCF-style: chr16-28499972-G-GC.
Other names: c.233dup, p.Thr80fs (NM_000086.2); c.13dup, p.Ala5fs (NM_001286105.2); c.71dup, p.Thr26fs (NM_001286110.2); c.60+638dup (NM_001286109.2); c.222+638dup (NM_001286104.2); c.233dupG (NM_001042432.1); short protein forms A5fs, T80fs, T26fs.
Identifiers: ClinVar variation 56261 (VCV000056261.7), dbSNP rs386833712, ClinGen allele CA263649.
Genomic context (GRCh38, chr16:28,488,651, plus strand): 5'-AGCCGTAGAGACAGAGTTGCAGTCAAATCGTGATGAGCTGTTGTGGGGGATCGGCGTTGG[G>GC]CCTGGGTCCACCTAATGGGAGAAAAGCATGTCTTTCACCCTGGAGGCAGAGGGATAGACA-3'